The following is an entry in ClinVar:

NC_000003.12:g.169764634G>A

Gene: TERC (telomerase RNA component; minus strand). Cytogenetic location: 3q26.2.
Variant type: single nucleotide variant.
Genome position: GRCh38 VCF-style: chr3-169764634-G-A. GRCh37 (hg19) VCF-style: chr3-169482422-G-A.
Identifiers: ClinVar variation 859663 (VCV000859663.7), dbSNP rs1777957096, ClinGen allele CA436714760.

ClinVar aggregate classification (germline): Uncertain significance (1 of 4 stars; one submission).

Conditions:
Dyskeratosis congenita, autosomal dominant 1 (DKCA1). Also called: Dyskeratosis congenita Scoggins type. Identifiers: Orphanet 1775, MedGen C4551974, MONDO:0007485, OMIM 127550. Inheritance: Variable.

Allele frequency attached by ClinVar (database versions not stated): gnomAD exomes below 0.00001.
gnomAD v4.1: 1 of 720,938 alleles (0.00014%); highest among the groups gnomAD compares: Non-Finnish European, 0.00025%; no homozygotes.

Submission:

Labcorp Genetics (formerly Invitae), Labcorp
Classification: Uncertain significance for Dyskeratosis congenita, autosomal dominant 1. Last evaluated: 2025-05-13. Review status: criteria provided, single submitter. Criteria: Invitae Variant Classification Sherloc (09022015). Collection method: clinical testing. Allele origin: germline.
Comment: This variant occurs in the TERC gene, which encodes an RNA molecule that does not result in a protein product. This variant is not present in population databases (gnomAD no frequency). This variant has not been reported in the literature in individuals affected with TERC-related conditions. ClinVar contains an entry for this variant (Variation ID: 859663). This variant is located within the BoxH/ACA scaRNA domain of the TERC RNA component, which is required for telomerase activity (PMID: 21844345). In summary, the available evidence is currently insufficient to determine the role of this variant in disease. Therefore, it has been classified as a Variant of Uncertain Significance.

Literature cited by the submitters: PubMed 21844345.